The following is an entry in ClinVar:

ClinVar aggregate classification (germline): Conflicting classifications of pathogenicity. Review status: criteria provided, conflicting classifications (1 of 4 stars). 4 submissions from 4 submitters: Pathogenic (2); Uncertain significance (1). 1 of the submissions does not count toward it. Last evaluated 2025-04-07.

Conditions:
IMPG2-related disorders.
Retinal dystrophy. Also called: Inherited retinal dystrophy. Identifiers: Orphanet 71862, MedGen C0854723, MeSH D058499, MONDO:0019118, HP:0000556.

Allele frequency attached by ClinVar (database versions not stated): TOPMed below 0.00001; gnomAD 0.00001; gnomAD exomes 0.00001 and 0.00002.
gnomAD v4.1: 21 of 1,612,298 alleles (0.0013%); highest among the groups gnomAD compares: Admixed American, 0.0017%; no homozygotes.

Submissions (4):

Labcorp Genetics (formerly Invitae), Labcorp
Classification: Pathogenic. Last evaluated: 2025-04-07. Review status: criteria provided, single submitter. Criteria: Invitae Variant Classification Sherloc (09022015). Collection method: clinical testing. Allele origin: germline.
Comment: This sequence change creates a premature translational stop signal (p.Glu1212*) in the IMPG2 gene. It is expected to result in an absent or disrupted protein product. Loss-of-function variants in IMPG2 are known to be pathogenic (PMID: 20673862). This variant is present in population databases (no rsID available, gnomAD 0.003%). This premature translational stop signal has been observed in individual(s) with IMPG2-related conditions (PMID: 27208204, 28559085). ClinVar contains an entry for this variant (Variation ID: 236458). Algorithms developed to predict the effect of sequence changes on RNA splicing suggest that this variant may disrupt the consensus splice site. For these reasons, this variant has been classified as Pathogenic.

GeneDx
Classification: Uncertain significance. Last evaluated: 2025-01-09. Review status: criteria provided, single submitter. Criteria: GeneDx Variant Classification Process June 2021. Collection method: clinical testing. Allele origin: germline. Affected: yes.
Comment: Nonsense variant predicted to result in protein truncation or nonsense mediated decay in a gene for which loss of function is a known mechanism of disease; This variant is associated with the following publications: (PMID: 27208204, 28559085, 31964843, 37806544)

Blueprint Genetics
Classification: Pathogenic for IMPG2-related disorders. Last evaluated: 2022-09-27. Review status: criteria provided, single submitter. Criteria: ACMG Guidelines, 2015. Collection method: clinical testing. Allele origin: germline. Affected: yes. Observed: 4 variant alleles.

Centre for Genomic Medicine, Manchester, Central Manchester University Hospitals
Classification: Likely pathogenic for Retinal dystrophy. Review status: no assertion criteria provided. Collection method: clinical testing. Allele origin: germline. Affected: yes. Not counted in ClinVar's aggregate classification.

Literature cited by the submitters: PubMed 20673862 (cited by Labcorp Genetics (formerly Invitae), Labcorp); PubMed 27208204 (cited by Labcorp Genetics (formerly Invitae), Labcorp); PubMed 28559085 (cited by Labcorp Genetics (formerly Invitae), Labcorp).

NM_016247.4(IMPG2):c.3634G>T (p.Glu1212Ter)

Gene: IMPG2 (interphotoreceptor matrix proteoglycan 2; minus strand). Cytogenetic location: 3q12.3.
Variant type: single nucleotide variant.
Coding change: c.3634G>T on transcript NM_016247.4 (MANE Select); coding-DNA position 3634, G replaced by T.
Protein change: p.Glu1212Ter; replaces glutamic acid 1212 with a stop codon.
Molecular consequence: nonsense.
Genome position (GRCh38, 1-based): chr3:101,228,876, C>A on the plus strand (G>T on the coding strand, the complement: IMPG2 is on the minus strand). VCF-style: chr3-101228876-C-A. GRCh37 (hg19) VCF-style: chr3-100947720-C-A.
Other names: short protein forms E1212*.
Identifiers: ClinVar variation 236458 (VCV000236458.8), dbSNP rs878853357, ClinGen allele CA10581658.
Genomic context (GRCh38, chr3:101,228,876, plus strand): 5'-AAGCTGCAAACTCAGGATCATTGGCATACAGTTCCAAAACTCTCATTCTCTCTTGAATTT[C>A]CTTAAACAAAAAAGAAACAATAGGCCACACATTGCATTAGAAAAACCTCAACAGCCTTTT-3'